The following is an entry in ClinVar:

NM_001365999.1(SZT2):c.5744C>G (p.Pro1915Arg)

Gene: SZT2 (SZT2 subunit of KICSTOR complex; plus strand). Cytogenetic location: 1p34.2.
Variant type: single nucleotide variant.
Coding change: c.5744C>G on transcript NM_001365999.1 (MANE Select); coding-DNA position 5744, C replaced by G.
Protein change: p.Pro1915Arg; replaces proline 1915 with arginine.
Molecular consequence: missense variant.
Genome position (GRCh38, 1-based): chr1:43,433,130, C>G. VCF-style: chr1-43433130-C-G. GRCh37 (hg19) VCF-style: chr1-43898801-C-G.
Other names: c.5573C>G, p.Pro1858Arg (NM_015284.4); short protein forms P1915R, P1858R.
Identifiers: ClinVar variation 1485261 (VCV001485261.5), dbSNP rs776912460, ClinGen allele CA809680.
Genomic context (GRCh38, chr1:43,433,130, plus strand): 5'-CTCCACCTGGGCCAGCACCTCCACAGCCTTCACTCTCAGGCCTCCCTGGGCCCTGCCTGC[C>G]TGACTTCTGGCTCATTGTCCGGGTCCTGCAGGACCGTGTGGAAGTGTATGCACATGCACG-3'
Protein context (NP_001352928.1, residues 1905-1925): SLSGLPGPCL[Pro1915Arg]DFWLIVRVLQ

ClinVar aggregate classification (germline): Uncertain significance (1 of 4 stars; one submission).

Allele frequency attached by ClinVar (database versions not stated): ExAC 0.00001; gnomAD 0.00001; gnomAD exomes 0.00001; TOPMed 0.00002.
gnomAD v4.1: 60 of 1,614,082 alleles (0.0037%); highest among the groups gnomAD compares: Non-Finnish European, 0.0046%; no homozygotes.

Submission:

Labcorp Genetics (formerly Invitae), Labcorp
Classification: Uncertain significance. Last evaluated: 2021-08-30. Review status: criteria provided, single submitter. Criteria: Invitae Variant Classification Sherloc (09022015). Collection method: clinical testing. Allele origin: germline.
Comment: This sequence change replaces proline with arginine at codon 1858 of the SZT2 protein (p.Pro1858Arg). The proline residue is highly conserved and there is a moderate physicochemical difference between proline and arginine. This variant is present in population databases (rs776912460, ExAC 0.001%). This variant has not been reported in the literature in individuals affected with SZT2-related conditions. Algorithms developed to predict the effect of missense changes on protein structure and function (SIFT, PolyPhen-2, Align-GVGD) all suggest that this variant is likely to be disruptive. In summary, the available evidence is currently insufficient to determine the role of this variant in disease. Therefore, it has been classified as a Variant of Uncertain Significance.